The following is an entry in ClinVar:

NM_001197104.2(KMT2A):c.10755G>A (p.Gly3585=)

Gene: KMT2A (lysine methyltransferase 2A; plus strand). Cytogenetic location: 11q23.3.
Variant type: single nucleotide variant.
Coding change: c.10755G>A on transcript NM_001197104.2 (MANE Select); coding-DNA position 10755, G replaced by A.
Protein change: p.Gly3585=; no amino-acid change (glycine 3585 retained).
Molecular consequence: synonymous variant.
Genome position (GRCh38, 1-based): chr11:118,507,529, G>A. VCF-style: chr11-118507529-G-A. GRCh37 (hg19) VCF-style: chr11-118378244-G-A.
Other names: c.10845G>A, p.Gly3615= (NM_001412597.1); c.10746G>A, p.Gly3582= (NM_005933.4).
Identifiers: ClinVar variation 1969865 (VCV001969865.5), dbSNP rs1273695536, ClinGen allele CA477093675.

ClinVar aggregate classification (germline): Uncertain significance (1 of 4 stars; one submission).

Allele frequency attached by ClinVar (database versions not stated): gnomAD exomes below 0.00001; gnomAD 0.00001; TOPMed 0.00001.
gnomAD v4.1: 4 of 1,613,818 alleles (0.00025%); highest among the groups gnomAD compares: Non-Finnish European, 0.00034%; no homozygotes.

Submission:

Labcorp Genetics (formerly Invitae), Labcorp
Classification: Uncertain significance. Last evaluated: 2023-10-14. Review status: criteria provided, single submitter. Criteria: Invitae Variant Classification Sherloc (09022015). Collection method: clinical testing. Allele origin: germline.
Comment: This sequence change affects codon 3585 of the KMT2A mRNA. It is a 'silent' change, meaning that it does not change the encoded amino acid sequence of the KMT2A protein. It affects a nucleotide within the consensus splice site. This variant is not present in population databases (gnomAD no frequency). This variant has not been reported in the literature in individuals affected with KMT2A-related conditions. ClinVar contains an entry for this variant (Variation ID: 1969865). Algorithms developed to predict the effect of sequence changes on RNA splicing suggest that this variant is not likely to affect RNA splicing. In summary, the available evidence is currently insufficient to determine the role of this variant in disease. Therefore, it has been classified as a Variant of Uncertain Significance.